The following is an entry in ClinVar:

ClinVar aggregate classification (germline): Benign/Likely benign. Review status: criteria provided, multiple submitters, no conflicts (2 of 4 stars). 4 submissions from 4 submitters: Benign (2); Likely benign (1). 1 of the submissions does not count toward it. Last evaluated 2026-01-16.

Conditions:
ACE-related disorder. Also called: ACE-related disorders; ACE-related condition.
Renal tubular dysgenesis. Also called: Renotubular dysgenesis. Identifiers: Orphanet 3033, MedGen C0266313, MONDO:0017609, HP:0008660.

Allele frequency attached by ClinVar (database versions not stated): gnomAD exomes 0.00055 and 0.00162; ExAC 0.00196; gnomAD 0.00614 and 0.00661; 1000 Genomes Project 0.00679; TOPMed 0.00685; ESP Exome Variant Server 0.00723; 1000 Genomes Project 30x 0.00765.
gnomAD v4.1: 1,800 of 1,614,216 alleles (0.11%); highest among the groups gnomAD compares: African/African-American, 2.1%; 22 homozygotes.

Submissions (4):

Labcorp Genetics (formerly Invitae), Labcorp
Classification: Benign. Last evaluated: 2026-01-16. Review status: criteria provided, single submitter. Criteria: Invitae Variant Classification Sherloc (09022015). Collection method: clinical testing. Allele origin: germline.

Mayo Clinic Laboratories, Mayo Clinic
Classification: Likely benign. Last evaluated: 2025-02-20. Review status: criteria provided, single submitter. Criteria: ACMG Guidelines, 2015. Collection method: clinical testing. Allele origin: germline. Observed: 1 variant allele.
Comment: BS1, BP4, BP7

Illumina Laboratory Services, Illumina
Classification: Benign for Renal tubular dysgenesis of genetic origin. Last evaluated: 2018-01-13. Review status: criteria provided, single submitter. Criteria: ICSL Variant Classification Criteria 13 December 2019. Collection method: clinical testing. Allele origin: germline.
Comment: This variant was observed in the ICSL laboratory as part of a predisposition screen in an ostensibly healthy population. It had not been previously curated by ICSL or reported in the Human Gene Mutation Database (HGMD: prior to June 1st, 2018), and was therefore a candidate for classification through an automated scoring system. Utilizing variant allele frequency, disease prevalence and penetrance estimates, and inheritance mode, an automated score was calculated to assess if this variant is too frequent to cause the disease. Based on the score and internal cut-off values, a variant classified as benign is not then subjected to further curation. The score for this variant resulted in a classification of benign for this disease.

PreventionGenetics, part of Exact Sciences
Classification: Benign for ACE-related condition. Last evaluated: 2019-04-12. Review status: no assertion criteria provided. Collection method: clinical testing. Allele origin: germline. Not counted in ClinVar's aggregate classification.
Comment: This variant is classified as benign based on ACMG/AMP sequence variant interpretation guidelines (Richards et al. 2015 PMID: 25741868, with internal and published modifications).

NM_000789.4(ACE):c.2187G>T (p.Arg729=)

Gene: ACE (angiotensin I converting enzyme; plus strand). Cytogenetic location: 17q23.3.
Variant type: single nucleotide variant.
Coding change: c.2187G>T on transcript NM_000789.4 (MANE Select); coding-DNA position 2187, G replaced by T.
Protein change: p.Arg729=; no amino-acid change (arginine 729 retained).
Molecular consequence: synonymous variant.
Genome position (GRCh38, 1-based): chr17:63,486,685, G>T. VCF-style: chr17-63486685-G-T. GRCh37 (hg19) VCF-style: chr17-61564046-G-T.
Other names: p.Arg729=; c.465G>T, p.Arg155= (NM_001178057.2, NM_152830.3).
Identifiers: ClinVar variation 790184 (VCV000790184.17), dbSNP rs35553988, ClinGen allele CA8699956.